The following is an entry in ClinVar:

NM_001267550.2(TTN):c.74508T>C (p.Asp24836=)

Genes: TTN-AS1 (TTN antisense RNA 1; plus strand), TTN (titin; minus strand). Cytogenetic location: 2q31.2.
Variant type: single nucleotide variant.
Coding change: c.74508T>C on transcript NM_001267550.2 (MANE Select); coding-DNA position 74508, T replaced by C.
Protein change: p.Asp24836=; no amino-acid change (aspartic acid 24836 retained).
Molecular consequence: synonymous variant.
Genome position (GRCh38, 1-based): chr2:178,571,624, A>G on the plus strand (T>C on the coding strand, the complement: TTN is on the minus strand). VCF-style: chr2-178571624-A-G. GRCh37 (hg19) VCF-style: chr2-179436351-A-G.
Other names: p.Asp23195=; c.69585T>C, p.Asp23195= (NM_001256850.1); c.47313T>C, p.Asp15771= (NM_003319.4); c.66804T>C, p.Asp22268= (NM_133378.4); c.47688T>C, p.Asp15896= (NM_133432.3); c.47889T>C, p.Asp15963= (NM_133437.4).
Identifiers: ClinVar variation 413042 (VCV000413042.17), dbSNP rs1060503924, ClinGen allele CA16610308.

ClinVar aggregate classification (germline): Conflicting classifications of pathogenicity. Review status: criteria provided, conflicting classifications (1 of 4 stars). 9 submissions from 5 submitters: Uncertain significance (5); Likely benign (4). Last evaluated 2025-12-01.

Conditions:
Cardiovascular phenotype. Identifiers: MedGen CN230736.
Autosomal recessive limb-girdle muscular dystrophy type 2J (LGMDR10). Also called: MUSCULAR DYSTROPHY, LIMB-GIRDLE, AUTOSOMAL RECESSIVE 10; Limb-girdle muscular dystrophy, type 2J. Identifiers: Orphanet 140922, MedGen C1837342, MONDO:0012127, OMIM 608807.
Dilated cardiomyopathy 1G (CMD1G). Identifiers: Orphanet 154, MedGen C1858763, MONDO:0011400, OMIM 604145.
Early-onset myopathy with fatal cardiomyopathy (CMYO5). Also called: Salih Myopathy; CONGENITAL MYOPATHY 5 WITH CARDIOMYOPATHY. Identifiers: Orphanet 289377, MedGen C2673677, MONDO:0012714, OMIM 611705. Disease mechanism: loss of function.
Tibial muscular dystrophy (TMD). Also called: UDD MYOPATHY; Tibial muscular dystrophy, tardive; Udd Distal Myopathy – Tibial Muscular Dystrophy. Identifiers: Orphanet 609, MedGen C1838244, MONDO:0010870, OMIM 600334.
Myopathy, myofibrillar, 9, with early respiratory failure (MFM9). Also called: Myopathy, distal, with early respiratory failure, autosomal dominant; Hereditary myopathy with early respiratory failure; EDSTROM MYOPATHY; MYOPATHY, PROXIMAL, WITH EARLY RESPIRATORY MUSCLE INVOLVEMENT. Identifiers: Orphanet 178464, Orphanet 34521, MedGen C1863599, MONDO:0011362, OMIM 603689.

Allele frequency attached by ClinVar (database versions not stated): gnomAD exomes below 0.00001; TOPMed 0.00002.
gnomAD v4.1: 2 of 1,613,334 alleles (0.00012%); highest among the groups gnomAD compares: Admixed American, 0.0017%; no homozygotes.

Submissions (9):

Labcorp Genetics (formerly Invitae), Labcorp
Classification: Likely benign for Dilated cardiomyopathy 1G; Autosomal recessive limb-girdle muscular dystrophy type 2J. Last evaluated: 2025-12-01. Review status: criteria provided, single submitter. Criteria: Invitae Variant Classification Sherloc (09022015). Collection method: clinical testing. Allele origin: germline.

ARUP Laboratories, Molecular Genetics and Genomics, ARUP Laboratories
Classification: Likely benign. Last evaluated: 2025-04-08. Review status: criteria provided, single submitter. Criteria: ARUP Molecular Germline Variant Investigation Process 2024. Collection method: clinical testing. Allele origin: germline.

Mayo Clinic Laboratories, Mayo Clinic
Classification: Likely benign. Last evaluated: 2024-12-18. Review status: criteria provided, single submitter. Criteria: ACMG Guidelines, 2015. Collection method: clinical testing. Allele origin: germline. Observed: 1 variant allele.
Comment: BP4, BP7, PM2_supporting

Ambry Genetics
Classification: Likely benign for Cardiovascular phenotype. Last evaluated: 2021-03-04. Review status: criteria provided, single submitter. Criteria: Ambry Variant Classification Scheme 2023. Collection method: clinical testing. Allele origin: germline.

Illumina Laboratory Services, Illumina
Classification: Uncertain significance for Myopathy, myofibrillar, 9, with early respiratory failure. Last evaluated: 2018-01-13. Review status: criteria provided, single submitter. Criteria: ICSL Variant Classification Criteria 13 December 2019. Collection method: clinical testing. Allele origin: germline.

Illumina Laboratory Services, Illumina
Classification: Uncertain significance for Tibial muscular dystrophy. Last evaluated: 2018-01-13. Review status: criteria provided, single submitter. Criteria: ICSL Variant Classification Criteria 13 December 2019. Collection method: clinical testing. Allele origin: germline.

Illumina Laboratory Services, Illumina
Classification: Uncertain significance for Autosomal recessive limb-girdle muscular dystrophy type 2J. Last evaluated: 2018-01-13. Review status: criteria provided, single submitter. Criteria: ICSL Variant Classification Criteria 13 December 2019. Collection method: clinical testing. Allele origin: germline.

Illumina Laboratory Services, Illumina
Classification: Uncertain significance for Dilated cardiomyopathy 1G. Last evaluated: 2018-01-13. Review status: criteria provided, single submitter. Criteria: ICSL Variant Classification Criteria 13 December 2019. Collection method: clinical testing. Allele origin: germline.

Illumina Laboratory Services, Illumina
Classification: Uncertain significance for Early-onset myopathy with fatal cardiomyopathy. Last evaluated: 2018-01-13. Review status: criteria provided, single submitter. Criteria: ICSL Variant Classification Criteria 13 December 2019. Collection method: clinical testing. Allele origin: germline.